The following is an entry in ClinVar:

NM_000059.4(BRCA2):c.10187dup (p.Ser3396fs)

Gene: BRCA2 (BRCA2 DNA repair associated; plus strand). Cytogenetic location: 13q13.1.
Variant type: Duplication.
Coding change: c.10187dup on transcript NM_000059.4 (MANE Select); coding-DNA position 10187, one base duplicated (G; older notation c.10187dupG).
Protein change: p.Ser3396fs; shifts the reading frame from serine 3396.
Molecular consequence: frameshift variant.
Genome position (GRCh38, 1-based): chr13:32,398,700, G duplicated. VCF-style (leftmost placement, unchanged base first): chr13-32398699-A-AG. GRCh37 (hg19) VCF-style: chr13-32972836-A-AG.
Other names: c.10187dupG (NM_000059.3); short protein forms S3396fs.
Identifiers: ClinVar variation 508504 (VCV000508504.1), dbSNP rs1555290064, ClinGen allele CA658798111.

ClinVar aggregate classification (germline): Likely benign (1 of 4 stars; one submission).

Submission:

GeneDx
Classification: Likely benign. Last evaluated: 2017-03-30. Review status: criteria provided, single submitter. Criteria: GeneDx Variant Classification (06012015). Collection method: clinical testing. Allele origin: germline. Affected: yes.
Comment: This variant is considered likely benign or benign based on one or more of the following criteria: it is a conservative change, it occurs at a poorly conserved position in the protein, it is predicted to be benign by multiple in silico algorithms, and/or has population frequency not consistent with disease.